The following is an entry in ClinVar:

ClinVar aggregate classification (germline): Uncertain significance (1 of 4 stars; one submission).

Allele frequency attached by ClinVar (database versions not stated): TOPMed below 0.00001 and 0.00001; gnomAD 0.00001.
gnomAD v4.1: 3 of 1,612,486 alleles (0.00019%); highest among the groups gnomAD compares: Admixed American, 0.005%; no homozygotes.

Submission:

GeneDx
Classification: Uncertain significance. Last evaluated: 2016-09-20. Review status: criteria provided, single submitter. Criteria: GeneDx Variant Classification (06012015). Collection method: clinical testing. Allele origin: germline. Affected: yes.
Comment: The I1306R variant in the ANK3 gene has not been reported previously as a pathogenic variant, nor as a benign variant, to our knowledge. The I1306R variant was not observed in approximately 6,500 individuals of European and African American ancestry in the NHLBI Exome Sequencing Project, indicating it is not a common benign variant in these populations. The I1306R variant is a non-conservative amino acid substitution, which is likely to impact secondary protein structure as these residues differ in polarity, charge, size and/or other properties. This substitution occurs at a position that is conserved across species. In silico analysis predicts this variant is probably damaging to the protein structure/function. We interpret I1306R as a variant of uncertain significance.

NM_020987.5(ANK3):c.3917T>G (p.Ile1306Arg)

Gene: ANK3 (ankyrin 3; minus strand). Cytogenetic location: 10q21.2.
Variant type: single nucleotide variant.
Coding change: c.3917T>G on transcript NM_020987.5 (MANE Select); coding-DNA position 3917, T replaced by G.
Protein change: p.Ile1306Arg; replaces isoleucine 1306 with arginine.
Molecular consequence: missense variant.
Genome position (GRCh38, 1-based): chr10:60,084,759, A>C on the plus strand (T>G on the coding strand, the complement: ANK3 is on the minus strand). VCF-style: chr10-60084759-A-C. GRCh37 (hg19) VCF-style: chr10-61844517-A-C.
Other names: c.1319T>G, p.Ile440Arg (NM_001149.4); c.3899T>G, p.Ile1300Arg (NM_001204403.2); c.3920T>G, p.Ile1307Arg (NM_001204404.2); c.3917T>G, p.Ile1306Arg (NM_001320874.2); short protein forms I1300R, I1306R, I1307R, I440R.
Identifiers: ClinVar variation 389163 (VCV000389163.2), dbSNP rs754420265, ClinGen allele CA5512370.
Genomic context (GRCh38, chr10:60,084,759, plus strand): 5'-GATTCTACGGGATCATTCATTTTGGCAAAAACAACAAACTTGGCCATATATGGAACACAT[A>C]TCAATTCTCTGTACAGTTGCGTGGCTAACCCCACAGTTTCTAAAACTTGATGGCAGTCTG-3'
Protein context (NP_066267.2, residues 1296-1316): GLATQLYREL[Ile1306Arg]CVPYMAKFVV